The following is an entry in ClinVar:

ClinVar aggregate classification (germline): Uncertain significance (1 of 4 stars; one submission).

Submission:

Ambry Genetics
Classification: Uncertain significance. Last evaluated: 2025-05-06. Review status: criteria provided, single submitter. Criteria: Ambry Variant Classification Scheme 2023. Collection method: clinical testing. Allele origin: germline.
Comment: The p.A376V variant (also known as c.1127C>T), located in coding exon 10 of the SLMAP gene, results from a C to T substitution at nucleotide position 1127. The alanine at codon 376 is replaced by valine, an amino acid with similar properties. This amino acid position is conserved. In addition, the in silico prediction for this alteration is inconclusive. Based on the available evidence, the clinical significance of this variant remains unclear.

NM_001377540.1(SLMAP):c.1127C>T (p.Ala376Val)

Gene: SLMAP (sarcolemma associated protein; plus strand). Cytogenetic location: 3p14.3.
Variant type: single nucleotide variant.
Coding change: c.1127C>T on transcript NM_001377540.1 (MANE Select); coding-DNA position 1127, C replaced by T.
Protein change: p.Ala376Val; replaces alanine 376 with valine.
Molecular consequence: missense variant. On other transcripts: non-coding transcript variant (1).
Genome position (GRCh38, 1-based): chr3:57,864,708, C>T. VCF-style: chr3-57864708-C-T. GRCh37 (hg19) VCF-style: chr3-57850435-C-T.
Other names: c.1127C>T, p.Ala376Val (NM_001304420.3, NM_001304421.2, NM_001377538.1 and 17 more transcripts); short protein forms A376V.
Identifiers: ClinVar variation 3958287 (VCV003958287.1).